The following is an entry in ClinVar:

NM_001048174.2(MUTYH):c.1240-4C>G

Gene: MUTYH (mutY DNA glycosylase; minus strand). Cytogenetic location: 1p34.1.
Variant type: single nucleotide variant.
Coding change: c.1240-4C>G on transcript NM_001048174.2 (MANE Select); 4 bases into the intron before coding-DNA position 1240, C replaced by G.
Molecular consequence: intron variant.
Genome position (GRCh38, 1-based): chr1:45,331,338, G>C on the plus strand (C>G on the coding strand, the complement: MUTYH is on the minus strand). VCF-style: chr1-45331338-G-C. GRCh37 (hg19) VCF-style: chr1-45797010-G-C.
Other names: c.895-4C>G (NM_001350651.2, NM_001350650.2); c.964-4C>G (NM_001293192.2, NM_001293196.2); c.1240-4C>G (NM_001048171.2, NM_001048173.2, NM_001293195.2); c.1285-4C>G (NM_001293190.2); c.1315-4C>G (NM_012222.3); c.1324-4C>G (NM_001128425.2); c.1243-4C>G (NM_001048172.2); c.1273-4C>G (NM_001293191.2).
Identifiers: ClinVar variation 414153 (VCV000414153.13), dbSNP rs1060504206, ClinGen allele CA16610116.

ClinVar aggregate classification (germline): Conflicting classifications of pathogenicity. Review status: criteria provided, conflicting classifications (1 of 4 stars). 4 submissions from 4 submitters: Uncertain significance (2); Likely benign (2). Last evaluated 2025-11-12.

Conditions:
Hereditary cancer-predisposing syndrome. Also called: Tumor predisposition; Hereditary Cancer Syndrome; Hereditary neoplastic syndrome; Neoplastic Syndromes, Hereditary. Identifiers: Orphanet 140162, MedGen C0027672, MeSH D009386, MONDO:0015356.
Familial adenomatous polyposis 2. Also called: COLORECTAL ADENOMATOUS POLYPOSIS, AUTOSOMAL RECESSIVE; MUTYH Polyposis; MUTYH-associated polyposis; MUTYH-related attenuated familial adenomatous polyposis; Adenomas, multiple colorectal; ADENOMAS, MULTIPLE COLORECTAL, AUTOSOMAL RECESSIVE. Identifiers: Orphanet 220460, Orphanet 247798, MedGen C3272841, MONDO:0012041, OMIM 608456.

Allele frequency attached by ClinVar (database versions not stated): gnomAD exomes below 0.00001.
gnomAD v4.1: 1 of 1,614,220 alleles (0.000062%); highest among the groups gnomAD compares: Admixed American, 0.0017%; no homozygotes.

Submissions (4):

Ambry Genetics
Classification: Likely benign for Hereditary cancer-predisposing syndrome. Last evaluated: 2025-11-12. Review status: criteria provided, single submitter. Criteria: Ambry Variant Classification Scheme 2023. Collection method: clinical testing. Allele origin: germline.

Labcorp Genetics (formerly Invitae), Labcorp
Classification: Likely benign for Familial adenomatous polyposis 2. Last evaluated: 2024-08-13. Review status: criteria provided, single submitter. Criteria: Invitae Variant Classification Sherloc (09022015). Collection method: clinical testing. Allele origin: germline.

All of Us Research Program, National Institutes of Health
Classification: Uncertain significance for Familial adenomatous polyposis 2. Last evaluated: 2023-06-26. Review status: criteria provided, single submitter. Criteria: ACMG Guidelines, 2015. Collection method: clinical testing. Allele origin: germline. Inheritance: Autosomal recessive inheritance. Observed: 1 variant allele, 1 heterozygote.
Comment: This variant causes a C to G nucleotide substitution at the -4 position of intron 13 of the MUTYH gene. To our knowledge, functional studies have not been reported for this variant. This variant has not been reported in individuals affected with MUTYH-related disorders in the literature. This variant has not been identified in the general population by the Genome Aggregation Database (gnomAD). The available evidence is insufficient to determine the role of this variant in disease conclusively. Therefore, this variant is classified as a Variant of Uncertain Significance.

This study involves interpretation of variants in research participants for the purpose of population health screening. Participant phenotype was not available at the time of variant classification. Additional details can be found in publication PMID: 35346344, PMCID: PMC8962531

Color Diagnostics, LLC DBA Color Health
Classification: Uncertain significance for Hereditary cancer-predisposing syndrome. Last evaluated: 2023-06-20. Review status: criteria provided, single submitter. Criteria: ACMG Guidelines, 2015. Collection method: clinical testing. Allele origin: germline.
Comment: This variant causes a C to G nucleotide substitution at the -4 position of intron 13 of the MUTYH gene. To our knowledge, functional studies have not been reported for this variant. This variant has not been reported in individuals affected with MUTYH-related disorders in the literature. This variant has not been identified in the general population by the Genome Aggregation Database (gnomAD). The available evidence is insufficient to determine the role of this variant in disease conclusively. Therefore, this variant is classified as a Variant of Uncertain Significance.